The following is an entry in ClinVar:

ClinVar aggregate classification (germline): Conflicting classifications of pathogenicity. Review status: criteria provided, conflicting classifications (1 of 4 stars). 2 submissions from 2 submitters: Uncertain significance (1); Likely benign (1). Last evaluated 2025-01-11.

Conditions:
Tumor predisposition syndrome 3 (TPDS3). Also called: Glioma susceptibility 9; LONG TELOMERE SYNDROME, POT1-RELATED; POT1 Tumor Predisposition; Melanoma, cutaneous malignant, susceptibility to, 10. Identifiers: Orphanet 618, MedGen C4014476, MONDO:0014368, OMIM 615848.
Hereditary cancer-predisposing syndrome. Also called: Tumor predisposition; Hereditary Cancer Syndrome; Hereditary neoplastic syndrome; Neoplastic Syndromes, Hereditary. Identifiers: Orphanet 140162, MedGen C0027672, MeSH D009386, MONDO:0015356.

Submissions (2):

Ambry Genetics
Classification: Uncertain significance for Hereditary cancer-predisposing syndrome. Last evaluated: 2025-01-11. Review status: criteria provided, single submitter. Criteria: Ambry Variant Classification Scheme 2023. Collection method: clinical testing. Allele origin: germline.
Comment: The c.125-3delC intronic variant, located in intron 2 of the POT1 gene, results from a deletion of one nucleotide within intron 2 of the POT1 gene. This nucleotide position is well conserved in available vertebrate species. In silico splice site analysis for this alteration is inconclusive. RNA studies have demonstrated that this alteration results in a splice defect; the clinical impact of this abnormal splicing is unknown at this time (Ambry internal data). Based on the available evidence, the clinical significance of this variant remains unclear.

Labcorp Genetics (formerly Invitae), Labcorp
Classification: Likely benign for Tumor predisposition syndrome 3. Last evaluated: 2021-08-18. Review status: criteria provided, single submitter. Criteria: Invitae Variant Classification Sherloc (09022015). Collection method: clinical testing. Allele origin: germline.

NM_015450.3(POT1):c.125-3del

Gene: POT1 (protection of telomeres 1; minus strand). Cytogenetic location: 7q31.33.
Variant type: Deletion.
Coding change: c.125-3del on transcript NM_015450.3 (MANE Select); 3 bases into the intron before coding-DNA position 125, one base deleted (C; older notation c.125-3delC).
Molecular consequence: intron variant.
Genome position (GRCh38, 1-based): chr7:124,871,044, G deleted on the plus strand (C on the coding strand, the reverse complement: POT1 is on the minus strand); the first of 2 consecutive G bases (chr7:124,871,044-124,871,045); deleting either gives the same sequence. VCF-style (leftmost placement, unchanged base first): chr7-124871043-TG-T. GRCh37 (hg19) VCF-style: chr7-124511097-TG-T.
Other names: c.-138-7404del (NM_001042594.2).
Identifiers: ClinVar variation 818710 (VCV000818710.13), dbSNP rs1584777876, ClinGen allele CA915945508.